The following is an entry in ClinVar:

NM_001083962.2(TCF4):c.496A>G (p.Met166Val)

Gene: TCF4 (transcription factor 4; minus strand). Cytogenetic location: 18q21.2.
Variant type: single nucleotide variant.
Coding change: c.496A>G on transcript NM_001083962.2 (MANE Select); coding-DNA position 496, A replaced by G.
Protein change: p.Met166Val; replaces methionine 166 with valine.
Molecular consequence: missense variant.
Genome position (GRCh38, 1-based): chr18:55,350,877, T>C on the plus strand (A>G on the coding strand, the complement: TCF4 is on the minus strand). VCF-style: chr18-55350877-T-C. GRCh37 (hg19) VCF-style: chr18-53018108-T-C.
Other names: c.802A>G, p.Met268Val (NM_001243226.3); c.424A>G, p.Met142Val (NM_001243227.2, NM_001306207.1, NM_001348217.1 and 9 more transcripts); c.496A>G, p.Met166Val (NM_001243228.2, NM_001330604.3, NM_001369567.1 and 5 more transcripts); c.490A>G, p.Met164Val (NM_001243230.2); c.370A>G, p.Met124Val (NM_001243231.2, NM_001348211.2); c.283A>G, p.Met95Val (NM_001243232.1, NM_001306208.1); c.106A>G, p.Met36Val (NM_001243233.2, NM_001330605.3, NM_001348212.2 and 1 more transcripts); c.421A>G, p.Met141Val (NM_001348220.1, NM_001369578.1, NM_001369581.1 and 3 more transcripts); and 1 more; short protein forms M124V, M141V, M142V, M164V, M165V, M166V, M268V, M36V.
Identifiers: ClinVar variation 1718862 (VCV001718862.5), dbSNP rs1308681272, ClinGen allele CA402702454.

ClinVar aggregate classification (germline): Uncertain significance (1 of 4 stars; one submission).

Conditions:
Pitt-Hopkins syndrome (PTHS). Also called: ENCEPHALOPATHY, SEVERE EPILEPTIC, WITH AUTONOMIC DYSFUNCTION; MENTAL RETARDATION, SYNDROMAL, WITH INTERMITTENT HYPERVENTILATION. Identifiers: Orphanet 2896, MedGen C1970431, MONDO:0012589, OMIM 610954.

Allele frequency attached by ClinVar (database versions not stated): gnomAD exomes below 0.00001; TOPMed below 0.00001; gnomAD 0.00001.

Submission:

Labcorp Genetics (formerly Invitae), Labcorp
Classification: Uncertain significance for Pitt-Hopkins syndrome. Last evaluated: 2022-07-19. Review status: criteria provided, single submitter. Criteria: Invitae Variant Classification Sherloc (09022015). Collection method: clinical testing. Allele origin: germline.
Comment: This variant is present in population databases (no rsID available, gnomAD 0.003%). This sequence change replaces methionine, which is neutral and non-polar, with valine, which is neutral and non-polar, at codon 166 of the TCF4 protein (p.Met166Val). In summary, the available evidence is currently insufficient to determine the role of this variant in disease. Therefore, it has been classified as a Variant of Uncertain Significance. Algorithms developed to predict the effect of missense changes on protein structure and function (SIFT, PolyPhen-2, Align-GVGD) all suggest that this variant is likely to be tolerated. This variant has not been reported in the literature in individuals affected with TCF4-related conditions.